The following is an entry in ClinVar:

NM_153717.3(EVC):c.1700G>A (p.Trp567Ter)

Gene: EVC (EvC ciliary complex subunit 1; plus strand). Cytogenetic location: 4p16.2.
Variant type: single nucleotide variant.
Coding change: c.1700G>A on transcript NM_153717.3 (MANE Select); coding-DNA position 1700, G replaced by A.
Protein change: p.Trp567Ter; replaces tryptophan 567 with a stop codon.
Molecular consequence: nonsense.
Genome position (GRCh38, 1-based): chr4:5,783,688, G>A. VCF-style: chr4-5783688-G-A. GRCh37 (hg19) VCF-style: chr4-5785415-G-A.
Other names: c.1700G>A, p.Trp567Ter (NM_001306090.2); short protein forms W567*.
Identifiers: ClinVar variation 5006787 (VCV005006787.2).

ClinVar aggregate classification (germline): Likely pathogenic (1 of 4 stars; one submission).

Conditions:
Ellis-van Creveld syndrome (EVC). Also called: Chondroectodermal dysplasia; MESOECTODERMAL DYSPLASIA. Identifiers: Orphanet 289, MedGen C0013903, MONDO:0009162, OMIM 225500.
Curry-Hall syndrome (WAD). Also called: WEYERS ACRODENTAL DYSOSTOSIS. Identifiers: Orphanet 952, MedGen C0457013, MONDO:0008673, OMIM 193530.

gnomAD v4.1: 1 of 1,614,022 alleles (0.000062%); highest among the groups gnomAD compares: South Asian, 0.0011%; no homozygotes.

Submission:

Juno Genomics, Hangzhou Juno Genomics, Inc
Classification: Likely pathogenic for Curry-Hall syndrome; Ellis-van Creveld syndrome. Review status: criteria provided, single submitter. Criteria: ACMG Guidelines, 2015. Collection method: clinical testing. Allele origin: germline.
Comment: Null variant in a gene where loss of function (LOF) is a known mechanism of disease.;Absent from controls (or at extremely low frequency if recessive) in Genome Aggregation Database.